The following is an entry in ClinVar:

NM_005751.5(AKAP9):c.6343G>T (p.Ala2115Ser)

Gene: AKAP9 (A-kinase anchoring protein 9; plus strand). Cytogenetic location: 7q21.2.
Variant type: single nucleotide variant.
Coding change: c.6343G>T on transcript NM_005751.5 (MANE Select); coding-DNA position 6343, G replaced by T.
Protein change: p.Ala2115Ser; replaces alanine 2115 with serine.
Molecular consequence: missense variant.
Genome position (GRCh38, 1-based): chr7:92,070,042, G>T. VCF-style: chr7-92070042-G-T. GRCh37 (hg19) VCF-style: chr7-91699356-G-T.
Other names: c.988G>T, p.Ala330Ser (NM_001379277.1); c.6343G>T, p.Ala2115Ser (NM_147185.3); short protein forms A2115S, A330S.
Identifiers: ClinVar variation 457115 (VCV000457115.10), dbSNP rs761921630, ClinGen allele CA368133984.

ClinVar aggregate classification (germline): Uncertain significance. Review status: criteria provided, multiple submitters, no conflicts (2 of 4 stars). 2 submissions from 2 submitters: Uncertain significance (2). Last evaluated 2022-03-09.

Conditions:
Long QT syndrome (LQTS). Identifiers: MedGen C0023976, MeSH D008133, MONDO:0002442. Disease mechanism: loss of function. Inheritance: Various modes of inheritance.
Cardiovascular phenotype. Identifiers: MedGen CN230736.

Allele frequency attached by ClinVar (database versions not stated): gnomAD exomes 0.00001; gnomAD 0.00001; TOPMed 0.00001.
gnomAD v4.1: 6 of 1,612,408 alleles (0.00037%); highest among the groups gnomAD compares: South Asian, 0.0044%; no homozygotes.

Submissions (2):

Ambry Genetics
Classification: Uncertain significance for Cardiovascular phenotype. Last evaluated: 2022-03-09. Review status: criteria provided, single submitter. Criteria: Ambry Variant Classification Scheme 2023. Collection method: clinical testing. Allele origin: germline.
Comment: The p.A2115S variant (also known as c.6343G>T), located in coding exon 27 of the AKAP9 gene, results from a G to T substitution at nucleotide position 6343. The alanine at codon 2115 is replaced by serine, an amino acid with similar properties. This amino acid position is conserved. In addition, this alteration is predicted to be tolerated by in silico analysis. Since supporting evidence is limited at this time, the clinical significance of this alteration remains unclear.

Labcorp Genetics (formerly Invitae), Labcorp
Classification: Uncertain significance for Long QT syndrome. Last evaluated: 2017-04-20. Review status: criteria provided, single submitter. Criteria: Invitae Variant Classification Sherloc (09022015). Collection method: clinical testing. Allele origin: germline.
Comment: This sequence change replaces alanine with serine at codon 2115 of the AKAP9 protein (p.Ala2115Ser). The alanine residue is weakly conserved and there is a moderate physicochemical difference between alanine and serine. This variant is not present in population databases (ExAC no frequency) and has not been reported in the literature in individuals with a AKAP9-related disease. Algorithms developed to predict the effect of missense changes on protein structure and function (SIFT, PolyPhen-2, Align-GVGD) all suggest that this variant is likely to be tolerated, but these predictions have not been confirmed by published functional studies. In summary, this variant is a novel missense change that is not predicted to affect protein function. There is no indication that it causes disease, but the available evidence is currently insufficient to prove that conclusively. Therefore, it has been classified as a Variant of Uncertain Significance.